The following is an entry in ClinVar:

NM_001376929.1(SLC30A10):c.-5A>C

Gene: SLC30A10 (solute carrier family 30 member 10; minus strand). Cytogenetic location: 1q41.
Variant type: single nucleotide variant.
Coding change: c.-5A>C on transcript NM_001376929.1; 5 bases upstream of the start codon, A replaced by C.
Molecular consequence: 5 prime UTR variant.
Genome position (GRCh38, 1-based): chr1:219,959,023, T>G on the plus strand (A>C on the coding strand, the complement: SLC30A10 is on the minus strand). VCF-style: chr1-219959023-T-G. GRCh37 (hg19) VCF-style: chr1-220132365-T-G.
Identifiers: ClinVar variation 3256801 (VCV003256801.2).
Genomic context (GRCh38, chr1:219,959,023, plus strand): 5'-ATGCTAACGACGCACATGAGGATTAAACGGAAGCTTCTTCCGGAGTATCGCCCCATGGCG[T>G]CTCGGTGCCCTGGCAGTTCCTCTCCCTTTCTTGGGAAGGCTGAGCTGCTAGGGAAGCAGC-3'

ClinVar aggregate classification (germline): Benign (1 of 4 stars; one submission).

gnomAD v4.1: 71,802 of 152,016 alleles (47%); highest among the groups gnomAD compares: South Asian, 53%; 17,050 homozygotes.

Submission:

Unidad de Genómica Garrahan, Hospital de Pediatría Garrahan
Classification: Benign. Last evaluated: 2024-07-31. Review status: criteria provided, single submitter. Criteria: ACMG Guidelines, 2015. Collection method: clinical testing. Allele origin: germline. Affected: no. Observed: 54 variant alleles.
Comment: This variant is classified as Benign based on local population frequency. This variant was detected in 58% of patients studied in a panel designed for Epileptic and Developmental Encephalopathy, Progressive Myoclonus Epilepsy and Abnormal Movements and Neurodegeneration with brain iron accumulation. Number of patients: 54. Only high quality variants are reported.